The following is an entry in ClinVar:

NM_000081.4(LYST):c.10962G>A (p.Leu3654=)

Gene: LYST (lysosomal trafficking regulator; minus strand). Cytogenetic location: 1q42.3.
Variant type: single nucleotide variant.
Coding change: c.10962G>A on transcript NM_000081.4 (MANE Select); coding-DNA position 10962, G replaced by A.
Protein change: p.Leu3654=; no amino-acid change (leucine 3654 retained).
Molecular consequence: synonymous variant.
Genome position (GRCh38, 1-based): chr1:235,677,167, C>T on the plus strand (G>A on the coding strand, the complement: LYST is on the minus strand). VCF-style: chr1-235677167-C-T. GRCh37 (hg19) VCF-style: chr1-235840467-C-T.
Other names: c.10962G>A, p.Leu3654= (NM_001301365.1).
Identifiers: ClinVar variation 3005861 (VCV003005861.7), dbSNP rs1420192949, ClinGen allele CA423757781.

ClinVar aggregate classification (germline): Likely benign. Review status: criteria provided, multiple submitters, no conflicts (2 of 4 stars). 2 submissions from 2 submitters: Likely benign (2). Last evaluated 2026-02-01.

Conditions:
Chédiak-Higashi syndrome (CHS). Also called: Chediak-Higashi Syndrome. Identifiers: Orphanet 167, MedGen C0007965, MONDO:0008963, OMIM 214500.

Submissions (2):

CeGaT Center for Human Genetics Tuebingen
Classification: Likely benign. Last evaluated: 2026-02-01. Review status: criteria provided, single submitter. Criteria: CeGaT Center For Human Genetics Tuebingen Variant Classification Criteria Version 2. Collection method: clinical testing. Allele origin: germline. Affected: yes. Observed: 1 variant allele.
Comment: LYST: PM2:Supporting, BP4, BP7

Labcorp Genetics (formerly Invitae), Labcorp
Classification: Likely benign for Chédiak-Higashi syndrome. Last evaluated: 2023-07-19. Review status: criteria provided, single submitter. Criteria: Invitae Variant Classification Sherloc (09022015). Collection method: clinical testing. Allele origin: germline.